The following is an entry in ClinVar:

NM_000070.3(CAPN3):c.2314_2317del (p.Asp772fs)

Gene: CAPN3 (calpain 3; plus strand). Cytogenetic location: 15q15.1.
Variant type: Deletion.
Coding change: c.2314_2317del on transcript NM_000070.3 (MANE Select); coding-DNA positions 2314 to 2317, 4 bases deleted (GACA; older notation c.2314_2317delGACA).
Protein change: p.Asp772fs; shifts the reading frame from aspartic acid 772.
Molecular consequence: frameshift variant.
Genome position (GRCh38, 1-based): chr15:42,410,934-42,410,937, GACA deleted; deleting any 4 consecutive bases within chr15:42,410,932-42,410,937 gives the same sequence; the c. name uses the placement nearest the transcript's 3' end. VCF-style (leftmost placement, unchanged base first): chr15-42410931-GCAGA-G. GRCh37 (hg19) VCF-style: chr15-42703129-GCAGA-G.
Other names: c.2296_2299del, p.Asp766fs (NM_024344.2); c.2038_2041del, p.Asp680fs (NM_173087.2); c.778_781del, p.Asp260fs (NM_173088.2); c.319_322del, p.Asp107fs (NM_173089.2, NM_173090.2); short protein forms D107fs, D260fs, D680fs, D772fs, D766fs.
Identifiers: ClinVar variation 552945 (VCV000552945.21), dbSNP rs764086484, ClinGen allele CA7511828.

ClinVar aggregate classification (germline): Pathogenic. Review status: criteria provided, multiple submitters, no conflicts (2 of 4 stars). 7 submissions from 7 submitters: Pathogenic (5). 2 of the submissions do not count toward it. Last evaluated 2025-09-29.

Conditions:
Muscular dystrophy, limb-girdle, autosomal dominant 4. Also called: Calpain-3-related limb-girdle muscular dystrophy D4; MUSCULAR DYSTROPHY, LIMB-GIRDLE, TYPE 1I. Identifiers: Orphanet 565909, MedGen C4748295, MONDO:0029133, OMIM 618129.
Autosomal recessive limb-girdle muscular dystrophy type 2A (LGMDR1). Also called: LEYDEN-MOEBIUS MUSCULAR DYSTROPHY; MUSCULAR DYSTROPHY, PELVOFEMORAL; Limb-girdle muscular dystrophy, type 2A; Calpainopathy; Muscular dystrophy, limb-girdle, type 2A, Amish. Identifiers: Orphanet 267, MedGen C1869123, MONDO:0009675, OMIM 253600. Disease mechanism: loss of function.

Submissions (7):

Labcorp Genetics (formerly Invitae), Labcorp
Classification: Pathogenic for Autosomal recessive limb-girdle muscular dystrophy type 2A. Last evaluated: 2025-09-29. Review status: criteria provided, single submitter. Criteria: Invitae Variant Classification Sherloc (09022015). Collection method: clinical testing. Allele origin: germline.
Comment: This sequence change creates a premature translational stop signal (p.Asp772Asnfs*3) in the CAPN3 gene. It is expected to result in an absent or disrupted protein product. Loss-of-function variants in CAPN3 are known to be pathogenic (PMID: 10330340, 15689361). This variant is present in population databases (rs764086484, gnomAD 0.0009%). This premature translational stop signal has been observed in individuals with autosomal recessive limb-girdle muscular dystrophy (PMID: 7720071, 25135358). This variant is also known as 2313delAGAC. ClinVar contains an entry for this variant (Variation ID: 552945). Algorithms developed to predict the effect of sequence changes on RNA splicing suggest that this variant may disrupt the consensus splice site. For these reasons, this variant has been classified as Pathogenic.

Revvity Omics, Revvity
Classification: Pathogenic. Last evaluated: 2025-04-14. Review status: criteria provided, single submitter. Criteria: ACMG Guidelines, 2015. Collection method: clinical testing. Allele origin: germline.

Fulgent Genetics
Classification: Pathogenic for Autosomal recessive limb-girdle muscular dystrophy type 2A; Muscular dystrophy, limb-girdle, autosomal dominant 4. Last evaluated: 2024-06-11. Review status: criteria provided, single submitter. Criteria: ACMG Guidelines, 2015. Collection method: clinical testing. Allele origin: germline.

Baylor Genetics
Classification: Pathogenic for Muscular dystrophy, limb-girdle, autosomal dominant 4. Last evaluated: 2023-11-30. Review status: criteria provided, single submitter. Criteria: ACMG Guidelines, 2015. Collection method: clinical testing. Allele origin: unknown.

Kariminejad - Najmabadi Pathology & Genetics Center
Classification: Pathogenic for Autosomal recessive limb-girdle muscular dystrophy type 2A. Last evaluated: 2023-06-09. Review status: criteria provided, single submitter. Criteria: ACMG Guidelines, 2015. Collection method: clinical testing. Allele origin: germline. Inheritance: Autosomal recessive inheritance. Affected: yes.
Comment: PVS1_strong, PP5_moderate,PM2

Natera, Inc.
Classification: Pathogenic for Limb-girdle muscular dystrophy type 2A. Last evaluated: 2021-02-12. Review status: no assertion criteria provided. Collection method: clinical testing. Allele origin: germline. Not counted in ClinVar's aggregate classification.

Counsyl
Classification: Pathogenic for Autosomal recessive limb-girdle muscular dystrophy type 2A. Last evaluated: 2017-07-19. Review status: no assertion criteria provided. Collection method: clinical testing. Allele origin: unknown. Not counted in ClinVar's aggregate classification.

Literature cited by the submitters: PubMed 10330340 (cited by Labcorp Genetics (formerly Invitae), Labcorp); PubMed 15689361 (cited by Labcorp Genetics (formerly Invitae), Labcorp); PubMed 7720071 (cited by Labcorp Genetics (formerly Invitae), Labcorp); PubMed 25135358 (cited by Labcorp Genetics (formerly Invitae), Labcorp and Counsyl); PubMed 17994539 (cited by Counsyl).